The following is an entry in ClinVar:

ClinVar aggregate classification (germline): Conflicting classifications of pathogenicity. Review status: criteria provided, conflicting classifications (1 of 4 stars). 9 submissions from 8 submitters: Uncertain significance (4); Benign (1); Likely benign (4). Last evaluated 2026-02-01.

Conditions:
ATP1A2-related disorder. Also called: ATP1A2-related condition; ATP1A2-RELATED DISORDERS.
Familial hemiplegic migraine. Identifiers: MedGen C0338484, MONDO:0000700.
Migraine, familial hemiplegic, 2. Identifiers: Orphanet 569, MedGen C1865322, MONDO:0011232, OMIM 602481.
Alternating hemiplegia of childhood 1 (AHC1). Identifiers: Orphanet 2131, MedGen C3549447, MONDO:0007087, OMIM 104290.

Allele frequency attached by ClinVar (database versions not stated): ExAC 0.00017; gnomAD 0.00018 and 0.00019; gnomAD exomes 0.00018 and 0.00028; TOPMed 0.00018; ESP Exome Variant Server 0.00046.
gnomAD v4.1: 423 of 1,614,044 alleles (0.026%); highest among the groups gnomAD compares: Non-Finnish European, 0.035%; no homozygotes.

Submissions (9):

CeGaT Center for Human Genetics Tuebingen
Classification: Uncertain significance. Last evaluated: 2026-02-01. Review status: criteria provided, single submitter. Criteria: CeGaT Center For Human Genetics Tuebingen Variant Classification Criteria Version 2. Collection method: clinical testing. Allele origin: germline. Affected: yes. Observed: 3 variant alleles.
Comment: ATP1A2: PM2

Labcorp Genetics (formerly Invitae), Labcorp
Classification: Likely benign for Familial hemiplegic migraine. Last evaluated: 2025-08-29. Review status: criteria provided, single submitter. Criteria: Invitae Variant Classification Sherloc (09022015). Collection method: clinical testing. Allele origin: germline.

Women's Health and Genetics/Laboratory Corporation of America, LabCorp
Classification: Uncertain significance. Last evaluated: 2025-07-02. Review status: criteria provided, single submitter. Criteria: LabCorp Variant Classification Summary - May 2015. Collection method: clinical testing. Allele origin: germline.
Comment: Variant summary: ATP1A2 c.1666A>T (p.Asn556Tyr) results in a non-conservative amino acid change in the encoded protein sequence. Algorithms developed to predict the effect of missense changes on protein structure and function are either unavailable or do not agree on the potential impact of this missense change. The variant allele was found at a frequency of 0.00018 in 251476 control chromosomes, predominantly at a frequency of 0.0004 within the Non-Finnish European subpopulation in the gnomAD database. This frequency is not significantly higher than estimated for a pathogenic variant in ATP1A2 causing Alternating Hemiplegia Of Childhood 1, allowing no conclusion about variant significance. To our knowledge, no occurrence of c.1666A>T in individuals affected with Alternating Hemiplegia Of Childhood 1 and no experimental evidence demonstrating its impact on protein function have been reported. ClinVar contains an entry for this variant (Variation ID: 194183). Based on the evidence outlined above, the variant was classified as uncertain significance.

PreventionGenetics, part of Exact Sciences
Classification: Uncertain significance for ATP1A2-related condition. Last evaluated: 2025-02-06. Review status: criteria provided, single submitter. Criteria: ACMG Guidelines, 2015. Collection method: clinical testing. Allele origin: germline.
Comment: The ATP1A2 c.1666A>T variant is predicted to result in the amino acid substitution p.Asn556Tyr. To our knowledge, this variant has not been reported in the literature. This variant is reported in 0.036% of alleles in individuals of European (Non-Finnish) descent in gnomAD. Although we suspect that this variant could be benign, at this time, the clinical significance of this variant is uncertain due to the absence of conclusive functional and genetic evidence.

Blueprint Genetics
Classification: Likely benign. Last evaluated: 2024-06-03. Review status: criteria provided, single submitter. Criteria: ACMG Guidelines, 2015. Collection method: clinical testing. Allele origin: germline.

GeneDx
Classification: Likely benign. Last evaluated: 2021-03-13. Review status: criteria provided, single submitter. Criteria: GeneDx Variant Classification Process June 2021. Collection method: clinical testing. Allele origin: germline. Affected: yes.

Illumina Laboratory Services, Illumina
Classification: Benign for Alternating hemiplegia of childhood 1. Last evaluated: 2018-01-12. Review status: criteria provided, single submitter. Criteria: ICSL Variant Classification Criteria 13 December 2019. Collection method: clinical testing. Allele origin: germline.
Comment: This variant was observed in the ICSL laboratory as part of a predisposition screen in an ostensibly healthy population. It had not been previously curated by ICSL or reported in the Human Gene Mutation Database (HGMD: prior to June 1st, 2018), and was therefore a candidate for classification through an automated scoring system. Utilizing variant allele frequency, disease prevalence and penetrance estimates, and inheritance mode, an automated score was calculated to assess if this variant is too frequent to cause the disease. Based on the score and internal cut-off values, a variant classified as benign is not then subjected to further curation. The score for this variant resulted in a classification of benign for this disease.

Illumina Laboratory Services, Illumina
Classification: Likely benign for Migraine, familial hemiplegic, 2. Last evaluated: 2018-01-12. Review status: criteria provided, single submitter. Criteria: ICSL Variant Classification Criteria 13 December 2019. Collection method: clinical testing. Allele origin: germline.
Comment: This variant was observed in the ICSL laboratory as part of a predisposition screen in an ostensibly healthy population. It had not been previously curated by ICSL or reported in the Human Gene Mutation Database (HGMD: prior to June 1st, 2018), and was therefore a candidate for classification through an automated scoring system. Utilizing variant allele frequency, disease prevalence and penetrance estimates, and inheritance mode, an automated score was calculated to assess if this variant is too frequent to cause the disease. Based on the score and internal cut-off values, a variant classified as likely benign is not then subjected to further curation. The score for this variant resulted in a classification of likely benign for this disease.

Eurofins Ntd Llc (ga)
Classification: Uncertain significance. Last evaluated: 2015-05-01. Review status: criteria provided, single submitter. Criteria: EGL Classification Definitions 2015. Collection method: clinical testing. Allele origin: germline. Observed: 1 variant allele, 1 heterozygote.

NM_000702.4(ATP1A2):c.1666A>T (p.Asn556Tyr)

Gene: ATP1A2 (ATPase Na+/K+ transporting subunit alpha 2; plus strand). Cytogenetic location: 1q23.2.
Variant type: single nucleotide variant.
Coding change: c.1666A>T on transcript NM_000702.4 (MANE Select); coding-DNA position 1666, A replaced by T.
Protein change: p.Asn556Tyr; replaces asparagine 556 with tyrosine.
Molecular consequence: missense variant.
Genome position (GRCh38, 1-based): chr1:160,130,436, A>T. VCF-style: chr1-160130436-A-T. GRCh37 (hg19) VCF-style: chr1-160100226-A-T.
Other names: p.N556Y:AAT>TAT; short protein forms N556Y.
Identifiers: ClinVar variation 194183 (VCV000194183.56), dbSNP rs141467566, ClinGen allele CA240031.